The following is an entry in ClinVar:

NM_020320.5(RARS2):c.1367G>A (p.Arg456His)

Gene: RARS2 (arginyl-tRNA synthetase 2, mitochondrial; minus strand). Cytogenetic location: 6q15.
Variant type: single nucleotide variant.
Coding change: c.1367G>A on transcript NM_020320.5 (MANE Select); coding-DNA position 1367, G replaced by A.
Protein change: p.Arg456His; replaces arginine 456 with histidine.
Molecular consequence: missense variant. On other transcripts: non-coding transcript variant (23).
Genome position (GRCh38, 1-based): chr6:87,518,678, C>T on the plus strand (G>A on the coding strand, the complement: RARS2 is on the minus strand). VCF-style: chr6-87518678-C-T. GRCh37 (hg19) VCF-style: chr6-88228396-C-T.
Other names: p.Arg456His; c.842G>A, p.Arg281His (NM_001318785.2, NM_001350506.2, NM_001350507.2 and 4 more transcripts); c.1367G>A, p.Arg456His (NM_001350505.2); short protein forms R281H, R456H.
Identifiers: ClinVar variation 909638 (VCV000909638.8), dbSNP rs144447777, ClinGen allele CA3916308.

ClinVar aggregate classification (germline): Uncertain significance. Review status: criteria provided, multiple submitters, no conflicts (2 of 4 stars). 4 submissions from 4 submitters: Uncertain significance (4). Last evaluated 2025-09-02.

Conditions:
Pontocerebellar hypoplasia type 6 (PCH6). Identifiers: Orphanet 166073, MedGen C1969084, MONDO:0012683, OMIM 611523.

Allele frequency attached by ClinVar (database versions not stated): gnomAD exomes 0.00001 and 0.00002; TOPMed 0.00003; gnomAD 0.00001; ESP Exome Variant Server 0.00008; ExAC 0.00002.
gnomAD v4.1: 20 of 1,613,808 alleles (0.0012%); highest among the groups gnomAD compares: East Asian, 0.0022%; no homozygotes.

Submissions (4):

Labcorp Genetics (formerly Invitae), Labcorp
Classification: Uncertain significance. Last evaluated: 2025-09-02. Review status: criteria provided, single submitter. Criteria: Invitae Variant Classification Sherloc (09022015). Collection method: clinical testing. Allele origin: germline.
Comment: This sequence change replaces arginine, which is basic and polar, with histidine, which is basic and polar, at codon 456 of the RARS2 protein (p.Arg456His). This variant is present in population databases (rs144447777, gnomAD 0.007%). This variant has not been reported in the literature in individuals affected with RARS2-related conditions. ClinVar contains an entry for this variant (Variation ID: 909638). Invitae Evidence Modeling of protein sequence and biophysical properties (such as structural, functional, and spatial information, amino acid conservation, physicochemical variation, residue mobility, and thermodynamic stability) indicates that this missense variant is not expected to disrupt RARS2 protein function with a negative predictive value of 95%. In summary, the available evidence is currently insufficient to determine the role of this variant in disease. Therefore, it has been classified as a Variant of Uncertain Significance.

Mayo Clinic Laboratories, Mayo Clinic
Classification: Uncertain significance. Last evaluated: 2024-09-17. Review status: criteria provided, single submitter. Criteria: ACMG Guidelines, 2015. Collection method: clinical testing. Allele origin: germline. Observed: 1 variant allele.
Comment: BP4

Blueprint Genetics
Classification: Uncertain significance. Last evaluated: 2024-02-14. Review status: criteria provided, single submitter. Criteria: ACMG Guidelines, 2015. Collection method: clinical testing. Allele origin: germline.

Illumina Laboratory Services, Illumina
Classification: Uncertain significance for Pontocerebellar hypoplasia type 6. Last evaluated: 2018-01-13. Review status: criteria provided, single submitter. Criteria: ICSL Variant Classification Criteria 13 December 2019. Collection method: clinical testing. Allele origin: germline.